The following is an entry in ClinVar:

NM_001385641.1(SAMD11):c.1076G>C (p.Arg359Pro)

Gene: SAMD11 (sterile alpha motif domain containing 11; plus strand). Cytogenetic location: 1p36.33.
Variant type: single nucleotide variant.
Coding change: c.1076G>C on transcript NM_001385641.1 (MANE Select); coding-DNA position 1076, G replaced by C.
Protein change: p.Arg359Pro; replaces arginine 359 with proline.
Molecular consequence: missense variant.
Genome position (GRCh38, 1-based): chr1:939,293, G>C. VCF-style: chr1-939293-G-C. GRCh37 (hg19) VCF-style: chr1-874673-G-C.
Other names: c.539G>C (NM_152486.2); c.1079G>C, p.Arg360Pro (NM_001385640.1); c.539G>C, p.Arg180Pro (NM_152486.4); short protein forms R359P, R360P, R180P.
Identifiers: ClinVar variation 1354986 (VCV001354986.7), dbSNP rs112419559, ClinGen allele CA337800211.

ClinVar aggregate classification (germline): Conflicting classifications of pathogenicity. Review status: criteria provided, conflicting classifications (1 of 4 stars). 2 submissions from 2 submitters: Uncertain significance (1); Likely benign (1). Last evaluated 2025-01-19.

gnomAD v4.1: 4 of 1,608,002 alleles (0.00025%); highest among the groups gnomAD compares: African/African-American, 0.004%; no homozygotes.

Submissions (2):

Ambry Genetics
Classification: Likely benign. Last evaluated: 2025-01-19. Review status: criteria provided, single submitter. Criteria: Ambry Variant Classification Scheme 2023. Collection method: clinical testing. Allele origin: germline.

Labcorp Genetics (formerly Invitae), Labcorp
Classification: Uncertain significance. Last evaluated: 2021-11-06. Review status: criteria provided, single submitter. Criteria: Invitae Variant Classification Sherloc (09022015). Collection method: clinical testing. Allele origin: germline.
Comment: In summary, the available evidence is currently insufficient to determine the role of this variant in disease. Therefore, it has been classified as a Variant of Uncertain Significance. Algorithms developed to predict the effect of missense changes on protein structure and function output the following: SIFT: "Deleterious"; PolyPhen-2: "Benign"; Align-GVGD: "Class C0". The proline amino acid residue is found in multiple mammalian species, which suggests that this missense change does not adversely affect protein function. This variant has not been reported in the literature in individuals affected with SAMD11-related conditions. This variant is not present in population databases (gnomAD no frequency). This sequence change replaces arginine, which is basic and polar, with proline, which is neutral and non-polar, at codon 180 of the SAMD11 protein (p.Arg180Pro).